The following is an entry in ClinVar:

NM_181741.4(ORC4):c.636C>A (p.His212Gln)

Gene: ORC4 (origin recognition complex subunit 4; minus strand). Cytogenetic location: 2q23.1.
Variant type: single nucleotide variant.
Coding change: c.636C>A on transcript NM_181741.4 (MANE Select); coding-DNA position 636, C replaced by A.
Protein change: p.His212Gln; replaces histidine 212 with glutamine.
Molecular consequence: missense variant.
Genome position (GRCh38, 1-based): chr2:147,948,177, G>T on the plus strand (C>A on the coding strand, the complement: ORC4 is on the minus strand). VCF-style: chr2-147948177-G-T. GRCh37 (hg19) VCF-style: chr2-148705746-G-T.
Other names: c.636C>A, p.His212Gln (NM_001190879.3, NM_001374270.1, NM_002552.5 and 1 more transcripts); c.384C>A, p.His128Gln (NM_001190881.3, NM_001374272.1); c.414C>A, p.His138Gln (NM_001190882.3); short protein forms H138Q, H128Q, H212Q.
Identifiers: ClinVar variation 2015097 (VCV002015097.4), dbSNP rs368518200, ClinGen allele CA348713094.
Genomic context (GRCh38, chr2:147,948,177, plus strand): 5'-TTCTTTAAATATTTTAACATACTGTGGAAAACCAAATGAATTCATTAAGTGTATCTGCCG[G>T]TGAGAAAATCTTGACTTCACTCTTTTTTCTAAGAGTTCCAAAATATCCTTAAAAACAAAC-3'
Protein context (NP_859525.1, residues 202-222): LEKRVKSRFS[His212Gln]RQIHLMNSFG

ClinVar aggregate classification (germline): Uncertain significance (1 of 4 stars; one submission).

Submission:

Labcorp Genetics (formerly Invitae), Labcorp
Classification: Uncertain significance. Last evaluated: 2025-09-15. Review status: criteria provided, single submitter. Criteria: Invitae Variant Classification Sherloc (09022015). Collection method: clinical testing. Allele origin: germline.
Comment: This sequence change replaces histidine, which is basic and polar, with glutamine, which is neutral and polar, at codon 212 of the ORC4 protein (p.His212Gln). This variant is not present in population databases (gnomAD no frequency). This variant has not been reported in the literature in individuals affected with ORC4-related conditions. ClinVar contains an entry for this variant (Variation ID: 2015097). Invitae Evidence Modeling of protein sequence and biophysical properties (such as structural, functional, and spatial information, amino acid conservation, physicochemical variation, residue mobility, and thermodynamic stability) indicates that this missense variant is expected to disrupt ORC4 protein function with a positive predictive value of 80%. In summary, the available evidence is currently insufficient to determine the role of this variant in disease. Therefore, it has been classified as a Variant of Uncertain Significance.